The following is an entry in ClinVar:

ClinVar aggregate classification (germline): Pathogenic (1 of 4 stars; one submission).

Submission:

Labcorp Genetics (formerly Invitae), Labcorp
Classification: Pathogenic. Last evaluated: 2025-10-08. Review status: criteria provided, single submitter. Criteria: Invitae Variant Classification Sherloc (09022015). Collection method: clinical testing. Allele origin: germline.
Comment: This sequence change replaces tyrosine, which is neutral and polar, with histidine, which is basic and polar, at codon 503 of the AMH protein (p.Tyr503His). This variant is not present in population databases (gnomAD no frequency). This missense change has been observed in individual(s) with clinical features of persistent Müllerian duct syndrome (PMID: 37902848; internal data). In at least one individual the data is consistent with being in trans (on the opposite chromosome) from a pathogenic variant. An algorithm developed to predict the effect of missense changes on protein structure and function (PolyPhen-2) suggests that this variant is likely to be disruptive. Experimental studies have shown that this missense change affects AMH function (PMID: 37902848). For these reasons, this variant has been classified as Pathogenic.

Literature cited by the submitters: PubMed 37902848.

NM_000479.5(AMH):c.1507T>C (p.Tyr503His)

Gene: AMH (anti-Mullerian hormone; plus strand). Cytogenetic location: 19p13.3.
Variant type: single nucleotide variant.
Coding change: c.1507T>C on transcript NM_000479.5 (MANE Select); coding-DNA position 1507, T replaced by C.
Protein change: p.Tyr503His; replaces tyrosine 503 with histidine.
Molecular consequence: missense variant.
Genome position (GRCh38, 1-based): chr19:2,251,781, T>C. VCF-style: chr19-2251781-T-C. GRCh37 (hg19) VCF-style: chr19-2251780-T-C.
Other names: short protein forms Y503H.
Identifiers: ClinVar variation 4705424 (VCV004705424.1).